The following is an entry in ClinVar:

NM_000430.4(PAFAH1B1):c.400-1G>A

Gene: PAFAH1B1 (platelet activating factor acetylhydrolase 1b regulatory subunit 1; plus strand). Cytogenetic location: 17p13.3.
Variant type: single nucleotide variant.
Coding change: c.400-1G>A on transcript NM_000430.4 (MANE Select); the canonical splice acceptor site of the intron before coding-DNA position 400, G replaced by A.
Molecular consequence: splice acceptor variant.
Genome position (GRCh38, 1-based): chr17:2,670,162, G>A. VCF-style: chr17-2670162-G-A. GRCh37 (hg19) VCF-style: chr17-2573456-G-A.
Identifiers: ClinVar variation 1526061 (VCV001526061.1), dbSNP rs2151663926, ClinGen allele CA397639746.
Genomic context (GRCh38, chr17:2,670,162, plus strand): 5'-AATGTGAAACAAGAAAGGAGTGATGGAGTTGGTGTTAACCAATTTTCTGTTCACTTGACA[G>A]GTGTGGGATTATGAGACTGGAGATTTTGAACGAACTCTTAAAGGACATACAGACTCTGTA-3'

ClinVar aggregate classification (germline): Likely pathogenic (1 of 4 stars; one submission).

Conditions:
Lissencephaly due to LIS1 mutation (LIS1). Also called: PAFAH1B1-Related Lissencephaly/Subcortical Band Heterotopia; Isolated Lissencephaly Sequence; PAFAH1B1-Associated Lissencephaly/Subcortical Band Heterotopia. Identifiers: Orphanet 95232, MedGen C4749301, MONDO:0011830, OMIM 607432.

Submission:

3billion
Classification: Likely pathogenic for Lissencephaly due to LIS1 mutation. Last evaluated: 2022-03-22. Review status: criteria provided, single submitter. Criteria: ACMG Guidelines, 2015. Collection method: clinical testing. Allele origin: germline. Affected: yes. Observed: 1 heterozygote.
Comment: Canonical splice site: predicted to alter splicing and result in a loss or disruption of normal protein function through nonsense-mediated decay (NMD) or protein truncation. Multiple pathogenic variants are reported downstream of the variant.It is not observed in the gnomAD v2.1.1 dataset. Therefore, this variant is classified as likely pathogenic according to the recommendation of ACMG/AMP guideline.